The following is an entry in ClinVar:

ClinVar aggregate classification (germline): Conflicting classifications of pathogenicity. Review status: criteria provided, conflicting classifications (1 of 4 stars). 3 submissions from 3 submitters: Uncertain significance (1); Likely benign (1). 1 of the submissions does not count toward it. Last evaluated 2026-01-19.

Conditions:
Autoinflammatory syndrome. Identifiers: Orphanet 93665, MedGen C3890737, MONDO:0019751.
NLRC4-related disorder. Also called: NLRC4-related condition.
Periodic fever-infantile enterocolitis-autoinflammatory syndrome. Also called: Autoinflammation with infantile enterocolitis. Identifiers: Orphanet 436166, MedGen C4015067, MONDO:0014472, OMIM 616050.
Familial cold autoinflammatory syndrome 4 (FCAS4). Identifiers: Orphanet 47045, Orphanet 576349, MedGen C4015276, MONDO:0014498, OMIM 616115.

gnomAD v4.1: 4 of 1,613,730 alleles (0.00025%); highest among the groups gnomAD compares: Admixed American, 0.0017%; no homozygotes.

Submissions (3):

Labcorp Genetics (formerly Invitae), Labcorp
Classification: Likely benign for Periodic fever-infantile enterocolitis-autoinflammatory syndrome; Familial cold autoinflammatory syndrome 4. Last evaluated: 2026-01-19. Review status: criteria provided, single submitter. Criteria: Invitae Variant Classification Sherloc (09022015). Collection method: clinical testing. Allele origin: germline.

Genome Diagnostics Laboratory, The Hospital for Sick Children
Classification: Uncertain significance for Autoinflammatory syndrome. Last evaluated: 2019-05-01. Review status: criteria provided, single submitter. Criteria: ACMG Guidelines, 2015. Collection method: clinical testing. Allele origin: germline. Affected: yes.

PreventionGenetics, part of Exact Sciences
Classification: Likely benign for NLRC4-related condition. Last evaluated: 2021-05-12. Review status: no assertion criteria provided. Collection method: clinical testing. Allele origin: germline. Not counted in ClinVar's aggregate classification.
Comment: This variant is classified as likely benign based on ACMG/AMP sequence variant interpretation guidelines (Richards et al. 2015 PMID: 25741868, with internal and published modifications).

NM_001199138.2(NLRC4):c.2631G>A (p.Val877=)

Gene: NLRC4 (NLR family CARD domain containing 4; minus strand). Cytogenetic location: 2p22.3.
Variant type: single nucleotide variant.
Coding change: c.2631G>A on transcript NM_001199138.2 (MANE Select); coding-DNA position 2631, G replaced by A.
Protein change: p.Val877=; no amino-acid change (valine 877 retained).
Molecular consequence: synonymous variant.
Genome position (GRCh38, 1-based): chr2:32,235,552, C>T on the plus strand (G>A on the coding strand, the complement: NLRC4 is on the minus strand). VCF-style: chr2-32235552-C-T. GRCh37 (hg19) VCF-style: chr2-32460621-C-T.
Other names: c.2631G>A, p.Val877= (NM_001199139.2, NM_021209.5); c.636G>A, p.Val212= (NM_001302504.2).
Identifiers: ClinVar variation 748242 (VCV000748242.13), dbSNP rs544474213, ClinGen allele CA1601738.
Genomic context (GRCh38, chr2:32,235,552, plus strand): 5'-GCTCAGGCTGCCTTGCACGTCACAGCCCCAGGGCAGCATCAGTGCGGTGAGCTGTTCTAG[C>T]ACGTTCATCCTGTCGACTGGAAGAAACAAAGAGCAGTTCAGGGACTGGATGGTCTCAAAA-3'
Protein context (NP_001186067.1, residues 867-887): ALHELIDRMN[Val877=]LEQLTALMLP